The following is an entry in ClinVar:

NM_001267550.2(TTN):c.89475_89478del (p.Glu29826fs)

Genes: TTN (titin; minus strand), TTN-AS1 (TTN antisense RNA 1; plus strand). Cytogenetic location: 2q31.2.
Variant type: Microsatellite.
Coding change: c.89475_89478del on transcript NM_001267550.2 (MANE Select); coding-DNA positions 89475 to 89478, 4 bases deleted (TGAA; older notation c.89475_89478delTGAA).
Protein change: p.Glu29826fs; shifts the reading frame from glutamic acid 29826.
Molecular consequence: frameshift variant.
Genome position (GRCh38, 1-based): chr2:178,553,527-178,553,530, TTCA deleted on the plus strand (TGAA on the coding strand, the reverse complement: TTN is on the minus strand); deleting any 4 consecutive bases within chr2:178,553,527-178,553,536 gives the same sequence; the c. name uses the placement nearest the transcript's 3' end. VCF-style (leftmost placement, unchanged base first): chr2-178553526-GTTCA-G. GRCh37 (hg19) VCF-style: chr2-179418253-GTTCA-G.
Other names: c.84552_84555del, p.Glu28185fs (NM_001256850.1); c.62280_62283del, p.Glu20761fs (NM_003319.4); c.81771_81774del, p.Glu27258fs (NM_133378.4); c.62655_62658del, p.Glu20886fs (NM_133432.3); c.62856_62859del, p.Glu20953fs (NM_133437.4); short protein forms E29826fs, E20761fs, E20886fs, E20953fs, E27258fs, E28185fs.
Identifiers: ClinVar variation 2951521 (VCV002951521.3), dbSNP rs2469331182, ClinGen allele CA2740095996.

ClinVar aggregate classification (germline): Likely pathogenic (1 of 4 stars; one submission).

Conditions:
Dilated cardiomyopathy 1G (CMD1G). Identifiers: Orphanet 154, MedGen C1858763, MONDO:0011400, OMIM 604145.
Autosomal recessive limb-girdle muscular dystrophy type 2J (LGMDR10). Also called: Limb-girdle muscular dystrophy, type 2J; MUSCULAR DYSTROPHY, LIMB-GIRDLE, AUTOSOMAL RECESSIVE 10. Identifiers: Orphanet 140922, MedGen C1837342, MONDO:0012127, OMIM 608807.

Submission:

Labcorp Genetics (formerly Invitae), Labcorp
Classification: Likely pathogenic for Dilated cardiomyopathy 1G; Autosomal recessive limb-girdle muscular dystrophy type 2J. Last evaluated: 2023-10-28. Review status: criteria provided, single submitter. Criteria: Invitae Variant Classification Sherloc (09022015). Collection method: clinical testing. Allele origin: germline.
Comment: This sequence change creates a premature translational stop signal (p.Glu29826Leufs*34) in the TTN gene. While this is not anticipated to result in nonsense mediated decay, it is expected to create a truncated TTN protein. This variant is not present in population databases (gnomAD no frequency). This variant has not been reported in the literature in individuals affected with TTN-related conditions. This variant is located in the A band of TTN (PMID: 25589632). Truncating variants in this region are significantly overrepresented in patients affected with dilated cardiomyopathy (PMID: 25589632). Truncating variants in this region have also been reported in individuals affected with autosomal recessive centronuclear myopathy (PMID: 23975875). In summary, the currently available evidence indicates that the variant is pathogenic, but additional data are needed to prove that conclusively. Therefore, this variant has been classified as Likely Pathogenic.

Literature cited by the submitters: PubMed 25589632; PubMed 23975875.